The following is an entry in ClinVar:

NM_001191061.2(SLC25A22):c.143G>A (p.Ser48Asn)

Gene: SLC25A22 (solute carrier family 25 member 22; minus strand). Cytogenetic location: 11p15.5.
Variant type: single nucleotide variant.
Coding change: c.143G>A on transcript NM_001191061.2 (MANE Select); coding-DNA position 143, G replaced by A.
Protein change: p.Ser48Asn; replaces serine 48 with asparagine.
Molecular consequence: missense variant.
Genome position (GRCh38, 1-based): chr11:794,779, C>T on the plus strand (G>A on the coding strand, the complement: SLC25A22 is on the minus strand). VCF-style: chr11-794779-C-T. GRCh37 (hg19) VCF-style: chr11-794779-C-T.
Other names: c.143G>A, p.Ser48Asn (NM_001191060.2, NM_024698.6); short protein forms S48N.
Identifiers: ClinVar variation 966227 (VCV000966227.6), dbSNP rs757713622, ClinGen allele CA5789393.

ClinVar aggregate classification (germline): Uncertain significance (1 of 4 stars; one submission).

Conditions:
Developmental and epileptic encephalopathy. Identifiers: MedGen C5779964, MONDO:0100620.

Allele frequency attached by ClinVar (database versions not stated): gnomAD exomes 0.00001 and 0.00004; ExAC 0.00002; TOPMed 0.00002; gnomAD 0.00003 and 0.00004.
gnomAD v4.1: 60 of 1,599,014 alleles (0.0038%); highest among the groups gnomAD compares: Non-Finnish European, 0.0049%; no homozygotes.

Submission:

Labcorp Genetics (formerly Invitae), Labcorp
Classification: Uncertain significance for Early-infantile DEE. Last evaluated: 2022-04-19. Review status: criteria provided, single submitter. Criteria: Invitae Variant Classification Sherloc (09022015). Collection method: clinical testing. Allele origin: germline.
Comment: This sequence change replaces serine, which is neutral and polar, with asparagine, which is neutral and polar, at codon 48 of the SLC25A22 protein (p.Ser48Asn). The frequency data for this variant in the population databases is considered unreliable, as metrics indicate poor data quality at this position in the gnomAD database. This variant has not been reported in the literature in individuals affected with SLC25A22-related conditions. ClinVar contains an entry for this variant (Variation ID: 966227). Algorithms developed to predict the effect of missense changes on protein structure and function (SIFT, PolyPhen-2, Align-GVGD) all suggest that this variant is likely to be tolerated. In summary, the available evidence is currently insufficient to determine the role of this variant in disease. Therefore, it has been classified as a Variant of Uncertain Significance.